The following is an entry in ClinVar:

NM_004082.5(DCTN1):c.992G>A (p.Arg331Gln)

Gene: DCTN1 (dynactin subunit 1; minus strand). Cytogenetic location: 2p13.1.
Variant type: single nucleotide variant.
Coding change: c.992G>A on transcript NM_004082.5 (MANE Select); coding-DNA position 992, G replaced by A.
Protein change: p.Arg331Gln; replaces arginine 331 with glutamine.
Molecular consequence: missense variant. On other transcripts: non-coding transcript variant (1).
Genome position (GRCh38, 1-based): chr2:74,370,677, C>T on the plus strand (G>A on the coding strand, the complement: DCTN1 is on the minus strand). VCF-style: chr2-74370677-C-T. GRCh37 (hg19) VCF-style: chr2-74597804-C-T.
Other names: p.Arg331Gln; c.932G>A, p.Arg311Gln (NM_001135040.3); c.590G>A, p.Arg197Gln (NM_001135041.3, NM_023019.4); c.881G>A, p.Arg294Gln (NM_001190836.2); c.971G>A, p.Arg324Gln (NM_001190837.2); c.941G>A, p.Arg314Gln (NM_001378991.1); c.923G>A, p.Arg308Gln (NM_001378992.1); short protein forms R324Q, R197Q, R311Q, R314Q, R331Q, R294Q, R308Q.
Identifiers: ClinVar variation 2921882 (VCV002921882.5), dbSNP rs773056643, ClinGen allele CA1722278.

ClinVar aggregate classification (germline): Uncertain significance. Review status: criteria provided, multiple submitters, no conflicts (2 of 4 stars). 2 submissions from 2 submitters: Uncertain significance (2). Last evaluated 2025-02-27.

Conditions:
Amyotrophic lateral sclerosis type 1 (ALS1). Also called: AMYOTROPHIC LATERAL SCLEROSIS 1, FAMILIAL. Identifiers: Orphanet 803, MedGen C1862939, MONDO:0007103, OMIM 105400.
Neuronopathy, distal hereditary motor, type 7B. Also called: Distal Hereditary Motor Neuronopathy Type 7B (dHMN7B); HMN VIIB; LOWER MOTOR NEURON DISEASE, DYNACTIN TYPE; NEURONOPATHY, DISTAL HEREDITARY MOTOR, AUTOSOMAL DOMINANT 14; NEURONOPATHY, DISTAL HEREDITARY MOTOR, HARDING TYPE VIIB; NEUROPATHY, DISTAL HEREDITARY MOTOR, HARDING TYPE VIIB. Identifiers: Orphanet 139589, MedGen C1843315, MONDO:0011879, OMIM 607641.
Perry syndrome. Also called: PARKINSONISM WITH ALVEOLAR HYPOVENTILATION AND MENTAL DEPRESSION. Identifiers: Orphanet 178509, MedGen C1868594, MONDO:0008201, OMIM 168605.

Allele frequency attached by ClinVar (database versions not stated): gnomAD exomes 0.00001; ExAC 0.00002.
gnomAD v4.1: 14 of 1,614,228 alleles (0.00087%); highest among the groups gnomAD compares: African/African-American, 0.004%; no homozygotes.

Submissions (3):

Mayo Clinic Laboratories, Mayo Clinic
Classification: Uncertain significance. Last evaluated: 2025-02-27. Review status: criteria provided, single submitter. Criteria: ACMG Guidelines, 2015. Collection method: clinical testing. Allele origin: germline. Observed: 1 variant allele.
Comment: BS2

Labcorp Genetics (formerly Invitae), Labcorp
Classification: Uncertain significance for Amyotrophic lateral sclerosis type 1; Neuronopathy, distal hereditary motor, type 7B; Perry syndrome. Last evaluated: 2022-11-29. Review status: criteria provided, single submitter. Criteria: Invitae Variant Classification Sherloc (09022015). Collection method: clinical testing. Allele origin: germline.
Comment: In summary, the available evidence is currently insufficient to determine the role of this variant in disease. Therefore, it has been classified as a Variant of Uncertain Significance. This sequence change replaces arginine, which is basic and polar, with glutamine, which is neutral and polar, at codon 331 of the DCTN1 protein (p.Arg331Gln). This variant is present in population databases (rs773056643, gnomAD 0.006%). This variant has not been reported in the literature in individuals affected with DCTN1-related conditions. Advanced modeling of protein sequence and biophysical properties (such as structural, functional, and spatial information, amino acid conservation, physicochemical variation, residue mobility, and thermodynamic stability) performed at Invitae indicates that this missense variant is not expected to disrupt DCTN1 protein function.

Dr. Peter K. Rogan Lab, Western University
No classification provided (evidence only). Condition: Uterine corpus endometrial carcinoma. Review status: no classification provided. Collection method: in vitro. Allele origin: not applicable. Functional consequence: retained intron. Not counted in ClinVar's aggregate classification.

Literature cited by the submitters: PubMed 37952009 (cited by Mayo Clinic Laboratories, Mayo Clinic).